The following is an entry in ClinVar:

NM_018075.5(ANO10):c.1144G>T (p.Glu382Ter)

Gene: ANO10 (anoctamin 10; minus strand). Cytogenetic location: 3p22.1.
Variant type: single nucleotide variant.
Coding change: c.1144G>T on transcript NM_018075.5 (MANE Select); coding-DNA position 1144, G replaced by T.
Protein change: p.Glu382Ter; replaces glutamic acid 382 with a stop codon.
Molecular consequence: nonsense. On other transcripts: intron variant (1).
Genome position (GRCh38, 1-based): chr3:43,576,710, C>A on the plus strand (G>T on the coding strand, the complement: ANO10 is on the minus strand). VCF-style: chr3-43576710-C-A. GRCh37 (hg19) VCF-style: chr3-43618202-C-A.
Other names: c.1144G>T, p.Glu382Ter (NM_001204831.3, NM_001346463.2, NM_001346464.2 and 3 more transcripts); c.946G>T, p.Glu316Ter (NM_001204832.3, NM_001346466.2, NM_001346469.2); c.811G>T, p.Glu271Ter (NM_001204833.3); c.593-1846G>T (NM_001204834.3); short protein forms E382*, E271*, E316*.
Identifiers: ClinVar variation 162018 (VCV000162018.6), dbSNP rs144272231, ClinGen allele CA213095.
Genomic context (GRCh38, chr3:43,576,710, plus strand): 5'-TTACAGGCAAGTAAGACGTGAATATAAAGCCTCAAGTCTTACCCCATGAAGTTAAAAACT[C>A]GGCAGCATATCGATAGAGACGATTCATGATCTCAATCACAATGGCATAGATGATGCTGGG-3'

ClinVar aggregate classification (germline): Pathogenic. Review status: criteria provided, multiple submitters, no conflicts (2 of 4 stars). 3 submissions from 3 submitters: Pathogenic (2). 1 of the submissions does not count toward it. Last evaluated 2026-02-26.

Conditions:
Autosomal recessive spinocerebellar ataxia 10. Identifiers: Orphanet 284289, MedGen C3150998, MONDO:0013392, OMIM 613728.

Submissions (3):

Myriad Genetics, Inc.
Classification: Pathogenic for Autosomal recessive spinocerebellar ataxia 10. Last evaluated: 2026-02-26. Review status: criteria provided, single submitter. Criteria: Myriad Autosomal Dominant, Autosomal Recessive and X-Linked Classification Criteria (2023). Collection method: clinical testing. Allele origin: unknown.
Comment: NM_018075.3(ANO10):c.1144G>T(E382*) is expected to be pathogenic in the context of spinocerebellar ataxia, ANO10-related. This variant is predicted to lead to an abnormal or absent protein product due to the creation of a premature termination codon in ANO10, a gene where loss-of-function variants are known to be pathogenic. Please note: this variant was assessed in the context of healthy population screening.

Labcorp Genetics (formerly Invitae), Labcorp
Classification: Pathogenic. Last evaluated: 2023-07-29. Review status: criteria provided, single submitter. Criteria: Invitae Variant Classification Sherloc (09022015). Collection method: clinical testing. Allele origin: germline.
Comment: For these reasons, this variant has been classified as Pathogenic. ClinVar contains an entry for this variant (Variation ID: 162018). This premature translational stop signal has been observed in individual(s) with clinical features of spinocerebellar ataxia (PMID: 25182700). This variant is not present in population databases (gnomAD no frequency). This sequence change creates a premature translational stop signal (p.Glu382*) in the ANO10 gene. It is expected to result in an absent or disrupted protein product. Loss-of-function variants in ANO10 are known to be pathogenic (PMID: 25089919).

OMIM
Classification: Uncertain significance for RECLASSIFIED - VARIANT OF UNKNOWN SIGNIFICANCE. Last evaluated: 2014-11-01. Review status: no assertion criteria provided. Collection method: literature only. Allele origin: germline. Not counted in ClinVar's aggregate classification.

Literature cited by the submitters: PubMed 25182700 (cited by Labcorp Genetics (formerly Invitae), Labcorp and OMIM); PubMed 25089919 (cited by Labcorp Genetics (formerly Invitae), Labcorp).